The following is an entry in ClinVar:

NM_001244008.2(KIF1A):c.47A>G (p.Asn16Ser)

Gene: KIF1A (kinesin family member 1A; minus strand). Cytogenetic location: 2q37.3.
Variant type: single nucleotide variant.
Coding change: c.47A>G on transcript NM_001244008.2 (MANE Select); coding-DNA position 47, A replaced by G.
Protein change: p.Asn16Ser; replaces asparagine 16 with serine.
Molecular consequence: missense variant.
Genome position (GRCh38, 1-based): chr2:240,797,706, T>C on the plus strand (A>G on the coding strand, the complement: KIF1A is on the minus strand). VCF-style: chr2-240797706-T-C. GRCh37 (hg19) VCF-style: chr2-241737123-T-C.
Other names: c.47A>G, p.Asn16Ser (NM_001330290.2, NM_001379631.1, NM_001379632.1 and 21 more transcripts); short protein forms N16S.
Identifiers: ClinVar variation 1711862 (VCV001711862.1), dbSNP rs1435248246, ClinGen allele CA351315897.

ClinVar aggregate classification (germline): Uncertain significance (1 of 4 stars; one submission).

Conditions:
Neuropathy, hereditary sensory, type 2C. Also called: Hereditary sensory and autonomic neuropathy type IIC; KIF1A-Related HSAN2 (HSAN2C). Identifiers: Orphanet 970, MedGen C3280168, MONDO:0013634, OMIM 614213.

Allele frequency attached by ClinVar (database versions not stated): gnomAD exomes below 0.00001.
gnomAD v4.1: 1 of 1,612,634 alleles (0.000062%); highest among the groups gnomAD compares: South Asian, 0.0011%; no homozygotes.

Submission:

Breda Genetics srl
Classification: Uncertain significance for Neuropathy, hereditary sensory, type 2C. Last evaluated: 2022-07-15. Review status: criteria provided, single submitter. Criteria: ACMG Guidelines, 2015. Collection method: clinical testing. Allele origin: germline. Inheritance: Autosomal recessive inheritance. Affected: yes. Observed: 1 variant allele, 1 heterozygote.
Comment: Based on allele frequency, in-silico prediction scores and a certain overlap with the clinical phenotype, we interpreted this variant at least as of uncertain significance. The lack of one or more of the following features has discouraged further investigations: lack of a possible second hit in autosomal recessive conditions, presence of healthy controls in databases for autosomal dominant conditions, presence of unmatching cardinal clinical features in the patient or in the known gene-disease association, and/or variant type outside the known gene mutational spectrum.